The following is an entry in ClinVar:

ClinVar aggregate classification (germline): Uncertain significance (1 of 4 stars; one submission).

Conditions:
EYS-related disorder. Also called: EYS-related condition.

gnomAD v4.1: 10 of 1,549,878 alleles (0.00065%); highest among the groups gnomAD compares: Non-Finnish European, 0.00087%; no homozygotes.

Submission:

PreventionGenetics, part of Exact Sciences
Classification: Uncertain significance for EYS-related condition. Last evaluated: 2026-03-29. Review status: criteria provided, single submitter. Criteria: ACMG Guidelines, 2015. Collection method: clinical testing. Allele origin: germline.
Comment: The EYS c.3802A>G variant is predicted to result in the amino acid substitution p.Thr1268Ala. To our knowledge, this variant has not been reported in the literature. This variant is reported in 0.0040% of alleles in individuals of European (Non-Finnish) descent in gnomAD. At this time, the clinical significance of this variant is uncertain due to the absence of conclusive functional and genetic evidence.

NM_001142800.2(EYS):c.3802A>G (p.Thr1268Ala)

Gene: EYS (EGF-like photoreceptor maintenance factor; minus strand). Cytogenetic location: 6q12.
Variant type: single nucleotide variant.
Coding change: c.3802A>G on transcript NM_001142800.2 (MANE Select); coding-DNA position 3802, A replaced by G.
Protein change: p.Thr1268Ala; replaces threonine 1268 with alanine.
Molecular consequence: missense variant.
Genome position (GRCh38, 1-based): chr6:64,593,192, T>C on the plus strand (A>G on the coding strand, the complement: EYS is on the minus strand). VCF-style: chr6-64593192-T-C. GRCh37 (hg19) VCF-style: chr6-65303085-T-C.
Other names: c.3802A>G, p.Thr1268Ala (NM_001292009.2); short protein forms T1268A.
Identifiers: ClinVar variation 4988448 (VCV004988448.1).